The following is an entry in ClinVar:

ClinVar aggregate classification (germline): Uncertain significance (1 of 4 stars; one submission).

Allele frequency attached by ClinVar (database versions not stated): gnomAD 0.00001; gnomAD exomes 0.00002; ExAC 0.00005.

Submission:

Labcorp Genetics (formerly Invitae), Labcorp
Classification: Uncertain significance. Last evaluated: 2022-06-20. Review status: criteria provided, single submitter. Criteria: Invitae Variant Classification Sherloc (09022015). Collection method: clinical testing. Allele origin: germline.
Comment: This sequence change replaces proline, which is neutral and non-polar, with leucine, which is neutral and non-polar, at codon 1562 of the PTPN23 protein (p.Pro1562Leu). This variant is present in population databases (rs750399977, gnomAD 0.004%). This variant has not been reported in the literature in individuals affected with PTPN23-related conditions. Algorithms developed to predict the effect of missense changes on protein structure and function output the following: SIFT: "Tolerated"; PolyPhen-2: "Not Available"; Align-GVGD: "Class C0". The leucine amino acid residue is found in multiple mammalian species, which suggests that this missense change does not adversely affect protein function. In summary, the available evidence is currently insufficient to determine the role of this variant in disease. Therefore, it has been classified as a Variant of Uncertain Significance.

NM_015466.4(PTPN23):c.4685C>T (p.Pro1562Leu)

Gene: PTPN23 (protein tyrosine phosphatase non-receptor type 23; plus strand). Cytogenetic location: 3p21.31.
Variant type: single nucleotide variant.
Coding change: c.4685C>T on transcript NM_015466.4 (MANE Select); coding-DNA position 4685, C replaced by T.
Protein change: p.Pro1562Leu; replaces proline 1562 with leucine.
Molecular consequence: missense variant.
Genome position (GRCh38, 1-based): chr3:47,412,959, C>T. VCF-style: chr3-47412959-C-T. GRCh37 (hg19) VCF-style: chr3-47454449-C-T.
Other names: c.4307C>T, p.Pro1436Leu (NM_001304482.2); short protein forms P1436L, P1562L.
Identifiers: ClinVar variation 1490507 (VCV001490507.5), dbSNP rs750399977, ClinGen allele CA2366681.